The following is an entry in ClinVar:

ClinVar aggregate classification (germline): Conflicting classifications of pathogenicity. Review status: criteria provided, conflicting classifications (1 of 4 stars). 2 submissions from 2 submitters: Pathogenic (1); Uncertain significance (1). Last evaluated 2025-01-27.

Conditions:
Epilepsy, familial focal, with variable foci 3 (FFEVF3). Identifiers: MedGen C4310708, MONDO:0014925, OMIM 617118.

Submissions (2):

Labcorp Genetics (formerly Invitae), Labcorp
Classification: Pathogenic for Epilepsy, familial focal, with variable foci 3. Last evaluated: 2025-01-27. Review status: criteria provided, single submitter. Criteria: Invitae Variant Classification Sherloc (09022015). Collection method: clinical testing. Allele origin: germline.
Comment: This sequence change replaces leucine, which is neutral and non-polar, with proline, which is neutral and non-polar, at codon 403 of the NPRL3 protein (p.Leu403Pro). This variant is not present in population databases (gnomAD no frequency). This missense change has been observed in individuals with NPRL3-related conditions (internal data). ClinVar contains an entry for this variant (Variation ID: 1393387). Invitae Evidence Modeling of protein sequence and biophysical properties (such as structural, functional, and spatial information, amino acid conservation, physicochemical variation, residue mobility, and thermodynamic stability) indicates that this missense variant is expected to disrupt NPRL3 protein function with a positive predictive value of 80%. For these reasons, this variant has been classified as Pathogenic.

GeneDx
Classification: Uncertain significance. Last evaluated: 2023-08-01. Review status: criteria provided, single submitter. Criteria: GeneDx Variant Classification Process June 2021. Collection method: clinical testing. Allele origin: germline. Affected: yes.
Comment: Not observed at significant frequency in large population cohorts (gnomAD); In silico analysis supports that this missense variant has a deleterious effect on protein structure/function; Has not been previously published as pathogenic or benign to our knowledge

NM_001077350.3(NPRL3):c.1208T>C (p.Leu403Pro)

Genes: HBA-LCR (alpha-globin locus control region; plus strand), NPRL3 (NPR3 like, GATOR1 complex subunit; minus strand). Cytogenetic location: 16p13.3.
Variant type: single nucleotide variant.
Coding change: c.1208T>C on transcript NM_001077350.3 (MANE Select); coding-DNA position 1208, T replaced by C.
Protein change: p.Leu403Pro; replaces leucine 403 with proline.
Molecular consequence: missense variant.
Genome position (GRCh38, 1-based): chr16:89,856, A>G on the plus strand (T>C on the coding strand, the complement: NPRL3 is on the minus strand). VCF-style: chr16-89856-A-G. GRCh37 (hg19) VCF-style: chr16-139854-A-G.
Other names: c.671T>C, p.Leu224Pro (NM_001039476.3); c.974T>C, p.Leu325Pro (NM_001243247.2); c.1133T>C, p.Leu378Pro (NM_001243248.2, NM_001243249.2); c.1208T>C (NM_001077350.2); short protein forms L325P, L378P, L403P, L224P.
Identifiers: ClinVar variation 1393387 (VCV001393387.7), dbSNP rs2141902503, ClinGen allele CA394051379.
Genomic context (GRCh38, chr16:89,856, plus strand): 5'-GGACGGGGCTCCTCCTCGCTGGGTGAGGCCATCAGGCAGACATAGGTGTGCAGCTGGATG[A>G]GAAGCCGGCGCTGCAGCATCCACACCACCATCTGGATGAGCTGGGTCTGCGGGTGGCAGC-3'
Protein context (NP_001070818.1, residues 393-413): MVVWMLQRRL[Leu403Pro]IQLHTYVCLM